The following is an entry in ClinVar:

NM_005751.5(AKAP9):c.5014G>A (p.Glu1672Lys)

Genes: AKAP9 (A-kinase anchoring protein 9; plus strand), LOC121175350 (Sharpr-MPRA regulatory region 2641; plus strand). Cytogenetic location: 7q21.2.
Variant type: single nucleotide variant.
Coding change: c.5014G>A on transcript NM_005751.5 (MANE Select); coding-DNA position 5014, G replaced by A.
Protein change: p.Glu1672Lys; replaces glutamic acid 1672 with lysine.
Molecular consequence: missense variant.
Genome position (GRCh38, 1-based): chr7:92,042,142, G>A. VCF-style: chr7-92042142-G-A. GRCh37 (hg19) VCF-style: chr7-91671456-G-A.
Other names: c.5014G>A, p.Glu1672Lys (NM_147185.3); short protein forms E1672K.
Identifiers: ClinVar variation 2176763 (VCV002176763.6), dbSNP rs1806214846, ClinGen allele CA368130087.

ClinVar aggregate classification (germline): Uncertain significance. Review status: criteria provided, multiple submitters, no conflicts (2 of 4 stars). 2 submissions from 2 submitters: Uncertain significance (2). Last evaluated 2024-08-06.

Conditions:
Cardiovascular phenotype. Identifiers: MedGen CN230736.
Long QT syndrome (LQTS). Identifiers: MedGen C0023976, MeSH D008133, MONDO:0002442. Disease mechanism: loss of function. Inheritance: Various modes of inheritance.

Submissions (2):

Ambry Genetics
Classification: Uncertain significance for Cardiovascular phenotype. Last evaluated: 2024-08-06. Review status: criteria provided, single submitter. Criteria: Ambry Variant Classification Scheme 2023. Collection method: clinical testing. Allele origin: germline.

Labcorp Genetics (formerly Invitae), Labcorp
Classification: Uncertain significance for Long QT syndrome. Last evaluated: 2022-01-15. Review status: criteria provided, single submitter. Criteria: Invitae Variant Classification Sherloc (09022015). Collection method: clinical testing. Allele origin: germline.
Comment: Algorithms developed to predict the effect of missense changes on protein structure and function output the following: SIFT: "Tolerated"; PolyPhen-2: "Possibly Damaging"; Align-GVGD: "Class C0". The lysine amino acid residue is found in multiple mammalian species, which suggests that this missense change does not adversely affect protein function. This variant has not been reported in the literature in individuals affected with AKAP9-related conditions. In summary, the available evidence is currently insufficient to determine the role of this variant in disease. Therefore, it has been classified as a Variant of Uncertain Significance. This sequence change replaces glutamic acid, which is acidic and polar, with lysine, which is basic and polar, at codon 1672 of the AKAP9 protein (p.Glu1672Lys). This variant is not present in population databases (gnomAD no frequency).